The following is an entry in ClinVar:

ClinVar aggregate classification (germline): Uncertain significance (1 of 4 stars; one submission).

Submission:

GeneDx
Classification: Uncertain significance. Last evaluated: 2024-12-11. Review status: criteria provided, single submitter. Criteria: GeneDx Variant Classification Process June 2021. Collection method: clinical testing. Allele origin: germline. Affected: yes.
Comment: Not observed at significant frequency in large population cohorts (gnomAD); In silico analysis supports that this missense variant has a deleterious effect on protein structure/function; Has not been previously published as pathogenic or benign to our knowledge

NM_001378452.1(ITPR1):c.6227C>A (p.Ala2076Asp)

Gene: ITPR1 (inositol 1,4,5-trisphosphate receptor type 1; plus strand). Cytogenetic location: 3p26.1.
Variant type: single nucleotide variant.
Coding change: c.6227C>A on transcript NM_001378452.1 (MANE Select); coding-DNA position 6227, C replaced by A.
Protein change: p.Ala2076Asp; replaces alanine 2076 with aspartic acid.
Molecular consequence: missense variant.
Genome position (GRCh38, 1-based): chr3:4,777,310, C>A. VCF-style: chr3-4777310-C-A. GRCh37 (hg19) VCF-style: chr3-4818994-C-A.
Other names: c.6083C>A, p.Ala2028Asp (NM_001099952.4); c.6182C>A, p.Ala2061Asp (NM_001168272.2); c.6038C>A, p.Ala2013Asp (NM_002222.7); short protein forms A2013D, A2028D, A2061D, A2076D.
Identifiers: ClinVar variation 3903335 (VCV003903335.1).